The following is an entry in ClinVar:

NM_000884.3(IMPDH2):c.619G>A (p.Gly207Arg)

Gene: IMPDH2 (inosine monophosphate dehydrogenase 2; minus strand). Cytogenetic location: 3p21.31.
Variant type: single nucleotide variant.
Coding change: c.619G>A on transcript NM_000884.3 (MANE Select); coding-DNA position 619, G replaced by A.
Protein change: p.Gly207Arg; replaces glycine 207 with arginine.
Molecular consequence: missense variant.
Genome position (GRCh38, 1-based): chr3:49,026,960, C>T on the plus strand (G>A on the coding strand, the complement: IMPDH2 is on the minus strand). VCF-style: chr3-49026960-C-T. GRCh37 (hg19) VCF-style: chr3-49064393-C-T.
Other names: c.619G>A, p.Gly207Arg (NM_001410759.1); c.544G>A, p.Gly182Arg (NM_001410760.1, NM_001410761.1); short protein forms G182R, G207R.
Identifiers: ClinVar variation 3383473 (VCV003383473.2).

ClinVar aggregate classification (germline): Likely pathogenic (1 of 4 stars; one submission).

Submission:

GeneDx
Classification: Likely pathogenic. Last evaluated: 2025-03-18. Review status: criteria provided, single submitter. Criteria: GeneDx Variant Classification Process June 2021. Collection method: clinical testing. Allele origin: germline. Affected: yes.
Comment: Not observed at significant frequency in large population cohorts (gnomAD); In silico analysis supports that this missense variant has a deleterious effect on protein structure/function; This variant is associated with the following publications: (PMID: 33098801, 40026236, 29738522)